The following is an entry in ClinVar:

NM_004064.5(CDKN1B):c.361G>A (p.Ala121Thr)

Gene: CDKN1B (cyclin dependent kinase inhibitor 1B; plus strand). Cytogenetic location: 12p13.1.
Variant type: single nucleotide variant.
Coding change: c.361G>A on transcript NM_004064.5 (MANE Select); coding-DNA position 361, G replaced by A.
Protein change: p.Ala121Thr; replaces alanine 121 with threonine.
Molecular consequence: missense variant.
Genome position (GRCh38, 1-based): chr12:12,718,200, G>A. VCF-style: chr12-12718200-G-A. GRCh37 (hg19) VCF-style: chr12-12871134-G-A.
Other names: short protein forms A121T.
Identifiers: ClinVar variation 404284 (VCV000404284.16), dbSNP rs1060500192, ClinGen allele CA16613690.
Genomic context (GRCh38, chr12:12,718,200, plus strand): 5'-GTGCCGGCGCAGGAGAGCCAGGATGTCAGCGGGAGCCGCCCGGCGGCGCCTTTAATTGGG[G>A]CTCCGGCTAACTCTGAGGACACGCATTTGGTGGACCCAAAGACTGATCCGTCGGACAGCC-3'
Protein context (NP_004055.1, residues 111-131): GSRPAAPLIG[Ala121Thr]PANSEDTHLV

ClinVar aggregate classification (germline): Uncertain significance. Review status: criteria provided, multiple submitters, no conflicts (2 of 4 stars). 4 submissions from 4 submitters: Uncertain significance (4). Last evaluated 2025-10-21.

Conditions:
Hereditary cancer-predisposing syndrome. Also called: Tumor predisposition; Neoplastic Syndromes, Hereditary; Hereditary Cancer Syndrome; Hereditary neoplastic syndrome. Identifiers: Orphanet 140162, MedGen C0027672, MeSH D009386, MONDO:0015356.
Multiple endocrine neoplasia type 4. Also called: MULTIPLE ENDOCRINE NEOPLASIA, TYPE IV. Identifiers: Orphanet 276152, MedGen C1970712, MONDO:0012552, OMIM 610755.

Allele frequency attached by ClinVar (database versions not stated): gnomAD exomes below 0.00001; TOPMed below 0.00001.
gnomAD v4.1: 6 of 1,612,976 alleles (0.00037%); highest among the groups gnomAD compares: South Asian, 0.0011%; no homozygotes.

Submissions (4):

Ambry Genetics
Classification: Uncertain significance for Hereditary cancer-predisposing syndrome. Last evaluated: 2025-10-21. Review status: criteria provided, single submitter. Criteria: Ambry Variant Classification Scheme 2023. Collection method: clinical testing. Allele origin: germline.

Labcorp Genetics (formerly Invitae), Labcorp
Classification: Uncertain significance for Multiple endocrine neoplasia type 4. Last evaluated: 2025-02-19. Review status: criteria provided, single submitter. Criteria: Invitae Variant Classification Sherloc (09022015). Collection method: clinical testing. Allele origin: germline.
Comment: This sequence change replaces alanine, which is neutral and non-polar, with threonine, which is neutral and polar, at codon 121 of the CDKN1B protein (p.Ala121Thr). This variant is present in population databases (no rsID available, gnomAD 0.003%). This variant has not been reported in the literature in individuals affected with CDKN1B-related conditions. ClinVar contains an entry for this variant (Variation ID: 404284). An algorithm developed to predict the effect of missense changes on protein structure and function (PolyPhen-2) suggests that this variant is likely to be tolerated. In summary, the available evidence is currently insufficient to determine the role of this variant in disease. Therefore, it has been classified as a Variant of Uncertain Significance.

GeneDx
Classification: Uncertain significance. Last evaluated: 2024-04-03. Review status: criteria provided, single submitter. Criteria: GeneDx Variant Classification Process June 2021. Collection method: clinical testing. Allele origin: germline. Affected: yes.
Comment: Not observed at significant frequency in large population cohorts (gnomAD); In silico analysis supports that this missense variant does not alter protein structure/function; Has not been previously published as pathogenic or benign to our knowledge

Baylor Genetics
Classification: Uncertain significance for Multiple endocrine neoplasia type 4. Last evaluated: 2023-12-06. Review status: criteria provided, single submitter. Criteria: ACMG Guidelines, 2015. Collection method: clinical testing. Allele origin: unknown.